The following is an entry in ClinVar:

ClinVar aggregate classification (germline): Uncertain significance. Review status: criteria provided, multiple submitters, no conflicts (2 of 4 stars). 2 submissions from 2 submitters: Uncertain significance (2). Last evaluated 2022-09-07.

Conditions:
Combined immunodeficiency due to LRBA deficiency. Also called: Common variable immunodeficiency 8, with autoimmunity. Identifiers: Orphanet 445018, MedGen C3553512, MONDO:0013863, OMIM 614700.

Submissions (2):

Labcorp Genetics (formerly Invitae), Labcorp
Classification: Uncertain significance for Combined immunodeficiency due to LRBA deficiency. Last evaluated: 2022-09-07. Review status: criteria provided, single submitter. Criteria: Invitae Variant Classification Sherloc (09022015). Collection method: clinical testing. Allele origin: germline.
Comment: This sequence change falls in intron 14 of the LRBA gene. It does not directly change the encoded amino acid sequence of the LRBA protein. It affects a nucleotide within the consensus splice site. This variant is present in population databases (no rsID available, gnomAD 0.004%). This variant has not been reported in the literature in individuals affected with LRBA-related conditions. ClinVar contains an entry for this variant (Variation ID: 567806). Variants that disrupt the consensus splice site are a relatively common cause of aberrant splicing (PMID: 17576681, 9536098). Algorithms developed to predict the effect of sequence changes on RNA splicing suggest that this variant is not likely to affect RNA splicing. In summary, the available evidence is currently insufficient to determine the role of this variant in disease. Therefore, it has been classified as a Variant of Uncertain Significance.

CeGaT Center for Human Genetics Tuebingen
Classification: Uncertain significance. Last evaluated: 2020-06-01. Review status: criteria provided, single submitter. Criteria: CeGaT Center For Human Genetics Tuebingen Variant Classification Criteria Version 2. Collection method: clinical testing. Allele origin: germline. Affected: yes. Observed: 2 variant alleles.

Literature cited by the submitters: PubMed 17576681 (cited by Labcorp Genetics (formerly Invitae), Labcorp); PubMed 9536098 (cited by Labcorp Genetics (formerly Invitae), Labcorp).

NM_001364905.1(LRBA):c.1924+4_1924+7del

Gene: LRBA (LPS responsive beige-like anchor protein; minus strand). Cytogenetic location: 4q31.3.
Variant type: Microsatellite.
Coding change: c.1924+4_1924+7del on transcript NM_001364905.1 (MANE Select); bases 4 to 7 of the intron after coding-DNA position 1924, 4 bases deleted (TATA; older notation c.1924+4_1924+7delTATA).
Molecular consequence: splice donor variant.
Genome position (GRCh38, 1-based): chr4:150,900,042-150,900,045, TATA deleted on the plus strand (TATA on the coding strand, the reverse complement: LRBA is on the minus strand); deleting any 4 consecutive bases within chr4:150,900,042-150,900,047 gives the same sequence; the c. name uses the placement nearest the transcript's 3' end. VCF-style (leftmost placement, unchanged base first): chr4-150900041-TTATA-T. GRCh37 (hg19) VCF-style: chr4-151821193-TTATA-T.
Other names: c.1924+4_1924+7delTATA (NM_006726.4); c.1924+4_1924+7del (NM_001367550.1, NM_006726.5, NM_001199282.3 and 2 more transcripts).
Identifiers: ClinVar variation 567806 (VCV000567806.46), dbSNP rs1355259232, ClinGen allele CA555970352.